The following is an entry in ClinVar:

NC_000002.11:g.(?_216226278)_(216300525_?)dup

Gene: FN1 (fibronectin 1; minus strand). Cytogenetic location: 2q35.
Variant type: Duplication.
Identifiers: ClinVar variation 2427783 (VCV002427783.4).

ClinVar aggregate classification (germline): Uncertain significance (1 of 4 stars; one submission).

Submission:

Labcorp Genetics (formerly Invitae), Labcorp
Classification: Uncertain significance. Last evaluated: 2022-09-30. Review status: criteria provided, single submitter. Criteria: Invitae Variant Classification Sherloc (09022015). Collection method: clinical testing. Allele origin: germline.
Comment: In summary, the available evidence is currently insufficient to determine the role of this variant in disease. Therefore, it has been classified as a Variant of Uncertain Significance. This variant has not been reported in the literature in individuals affected with FN1-related conditions. A copy number gain of the genomic region encompassing the full coding sequence of the FN1 gene has been identified. The boundaries of this event are unknown as they extend beyond the assayed region for this gene and therefore may encompass additional genes. As the precise location of this event is unknown, it may be in tandem or it may be located elsewhere in the genome.